The following is an entry in ClinVar:

ClinVar aggregate classification (germline): Pathogenic (1 of 4 stars; one submission).

Conditions:
Mucopolysaccharidosis type 1. Also called: IDUA deficiency; MPS I; Mucopolysaccharidosis Type I. Identifiers: Orphanet 579, MedGen C0023786, MONDO:0001586.

Submission:

Myriad Genetics, Inc.
Classification: Pathogenic for Mucopolysaccharidosis type 1. Last evaluated: 2025-10-12. Review status: criteria provided, single submitter. Criteria: Myriad Autosomal Dominant, Autosomal Recessive and X-Linked Classification Criteria (2023). Collection method: clinical testing. Allele origin: unknown.
Comment: NM_000203.3(IDUA):c.1345dupC(H449Pfs*60) is expected to be pathogenic in the context of mucopolysaccharidosis type I. This variant is predicted to lead to an abnormal or absent protein product due to the creation of a premature termination codon in IDUA, a gene where loss-of-function variants are known to be pathogenic. Please note: this variant was assessed in the context of healthy population screening.

NM_000203.5(IDUA):c.1345dup (p.His449fs)

Gene: IDUA (alpha-L-iduronidase; plus strand). Cytogenetic location: 4p16.3.
Variant type: Duplication.
Coding change: c.1345dup on transcript NM_000203.5 (MANE Select); coding-DNA position 1345, one base duplicated (C; older notation c.1345dupC).
Protein change: p.His449fs; shifts the reading frame from histidine 449.
Molecular consequence: frameshift variant. On other transcripts: non-coding transcript variant (1).
Genome position (GRCh38, 1-based): chr4:1,002,887, C duplicated; the last of 3 consecutive C bases (chr4:1,002,885-1,002,887); duplicating any one gives the same sequence. VCF-style (leftmost placement, unchanged base first): chr4-1002884-G-GC. GRCh37 (hg19) VCF-style: chr4-996672-G-GC.
Other names: c.949dup, p.His317fs (NM_001363576.1); short protein forms H317fs, H449fs.
Identifiers: ClinVar variation 5015085 (VCV005015085.1).
Genomic context (GRCh38, chr4:1,002,884, plus strand): 5'-CAGGGCCCGGCCGACGCCTGGCGCGCCGCGGTGCTGATCTACGCGAGCGACGACACCCGC[G>GC]CCCACCCCAACCGCAGCGTCGCGGTGACCCTGCGGCTGCGCGGGGTGCCCCCCGGCCCGG-3'